The following is an entry in ClinVar:

ClinVar aggregate classification (germline): Uncertain significance (0 of 4 stars; one submission).

Conditions:
NSD1-related disorder. Also called: NSD1-related condition.

gnomAD v4.1: 2 of 1,614,102 alleles (0.00012%); highest among the groups gnomAD compares: Non-Finnish European, 0.00017%; no homozygotes.

Submission:

PreventionGenetics, part of Exact Sciences
Classification: Uncertain significance for NSD1-related condition. Last evaluated: 2024-09-16. Review status: no assertion criteria provided. Collection method: clinical testing. Allele origin: germline.
Comment: The NSD1 c.7985G>C variant is predicted to result in the amino acid substitution p.Cys2662Ser. To our knowledge, this variant has not been reported in the literature or in a large population database, indicating this variant is rare. At this time, the clinical significance of this variant is uncertain due to the absence of conclusive functional and genetic evidence.

NM_022455.5(NSD1):c.7985G>C (p.Cys2662Ser)

Gene: NSD1 (nuclear receptor binding SET domain protein 1; plus strand). Cytogenetic location: 5q35.3.
Variant type: single nucleotide variant.
Coding change: c.7985G>C on transcript NM_022455.5 (MANE Select); coding-DNA position 7985, G replaced by C.
Protein change: p.Cys2662Ser; replaces cysteine 2662 with serine.
Molecular consequence: missense variant.
Genome position (GRCh38, 1-based): chr5:177,295,353, G>C. VCF-style: chr5-177295353-G-C. GRCh37 (hg19) VCF-style: chr5-176722354-G-C.
Other names: c.7112G>C, p.Cys2371Ser (NM_001365684.2, NM_001409308.1, NM_172349.5); c.7985G>C, p.Cys2662Ser (NM_001409301.1, NM_001409302.1, NM_001409303.1); c.7565G>C, p.Cys2522Ser (NM_001409304.1); c.7232G>C, p.Cys2411Ser (NM_001409305.1); c.7223G>C, p.Cys2408Ser (NM_001409306.1, NM_001409307.1); c.6863G>C, p.Cys2288Ser (NM_001409309.1); short protein forms C2288S, C2371S, C2408S, C2411S, C2522S, C2662S.
Identifiers: ClinVar variation 3346009 (VCV003346009.1).